The following is an entry in ClinVar:

ClinVar aggregate classification (germline): Uncertain significance (1 of 4 stars; one submission).

Conditions:
Cholestanol storage disease (CTX). Also called: CEREBRAL CHOLESTERINOSIS; Cerebrotendinous Xanthomatosis; CTX: Cerebrotendinous xanthomatosis. Identifiers: Orphanet 909, MedGen C0238052, MONDO:0008948, OMIM 213700.

gnomAD v4.1: 5 of 1,614,142 alleles (0.00031%); highest among the groups gnomAD compares: Non-Finnish European, 0.00034%; no homozygotes.

Submission:

Labcorp Genetics (formerly Invitae), Labcorp
Classification: Uncertain significance for Cholestanol storage disease. Last evaluated: 2022-03-18. Review status: criteria provided, single submitter. Criteria: Invitae Variant Classification Sherloc (09022015). Collection method: clinical testing. Allele origin: germline.
Comment: This variant is not present in population databases (gnomAD no frequency). This sequence change falls in intron 4 of the CYP27A1 gene. It does not directly change the encoded amino acid sequence of the CYP27A1 protein. It affects a nucleotide within the consensus splice site. This variant has not been reported in the literature in individuals affected with CYP27A1-related conditions. Variants that disrupt the consensus splice site are a relatively common cause of aberrant splicing (PMID: 17576681, 9536098). Algorithms developed to predict the effect of sequence changes on RNA splicing suggest that this variant is not likely to affect RNA splicing. In summary, the available evidence is currently insufficient to determine the role of this variant in disease. Therefore, it has been classified as a Variant of Uncertain Significance.

Literature cited by the submitters: PubMed 17576681; PubMed 9536098.

NM_000784.4(CYP27A1):c.844+6G>A

Gene: CYP27A1 (cytochrome P450 family 27 subfamily A member 1; plus strand). Cytogenetic location: 2q35.
Variant type: single nucleotide variant.
Coding change: c.844+6G>A on transcript NM_000784.4 (MANE Select); 6 bases into the intron after coding-DNA position 844, G replaced by A.
Molecular consequence: intron variant.
Genome position (GRCh38, 1-based): chr2:218,812,755, G>A. VCF-style: chr2-218812755-G-A. GRCh37 (hg19) VCF-style: chr2-219677478-G-A.
Identifiers: ClinVar variation 1445536 (VCV001445536.9), dbSNP rs1943737223, ClinGen allele CA2573135316.